The following is an entry in ClinVar:

NM_000093.5(COL5A1):c.3667C>T (p.Pro1223Ser)

Gene: COL5A1 (collagen type V alpha 1 chain; plus strand). Cytogenetic location: 9q34.3.
Variant type: single nucleotide variant.
Coding change: c.3667C>T on transcript NM_000093.5 (MANE Select); coding-DNA position 3667, C replaced by T.
Protein change: p.Pro1223Ser; replaces proline 1223 with serine.
Molecular consequence: missense variant.
Genome position (GRCh38, 1-based): chr9:134,811,576, C>T. VCF-style: chr9-134811576-C-T. GRCh37 (hg19) VCF-style: chr9-137703422-C-T.
Other names: c.3667C>T, p.Pro1223Ser (NM_001278074.1); short protein forms P1223S.
Identifiers: ClinVar variation 654362 (VCV000654362.10), dbSNP rs1411675246, ClinGen allele CA375454244.
Genomic context (GRCh38, chr9:134,811,576, plus strand): 5'-CGGGGCCAGCAGGGCCTTTTCGGGCAGAAAGGTGATGAAGGTCCCAGAGGCTTTCCTGGA[C>T]CCCCTGGGCCAGTGGGGCTGCAGGTAACTGTGGGGTTCTCACCACACCGGGCTCCTCCGC-3'
Protein context (NP_000084.3, residues 1213-1233): GDEGPRGFPG[Pro1223Ser]PGPVGLQGLP

ClinVar aggregate classification (germline): Uncertain significance (1 of 4 stars; one submission).

Conditions:
Ehlers-Danlos syndrome, classic type, 1 (EDSCL1). Also called: EDS I; EHLERS-DANLOS SYNDROME, GRAVIS TYPE; EHLERS-DANLOS SYNDROME, SEVERE CLASSIC TYPE; Ehlers-Danlos Syndrome, Classic Type, COL5A1-Related; Ehlers-Danlos syndrome, type 1. Identifiers: MedGen C0268335, MONDO:0019567, OMIM 130000.

Allele frequency attached by ClinVar (database versions not stated): TOPMed below 0.00001.
gnomAD v4.1: 2 of 1,561,562 alleles (0.00013%); highest among the groups gnomAD compares: Non-Finnish European, 0.000087%; no homozygotes.

Submission:

Labcorp Genetics (formerly Invitae), Labcorp
Classification: Uncertain significance for Ehlers-Danlos syndrome, classic type, 1. Last evaluated: 2018-12-17. Review status: criteria provided, single submitter. Criteria: Invitae Variant Classification Sherloc (09022015). Collection method: clinical testing. Allele origin: germline.
Comment: This variant is not present in population databases (ExAC no frequency). This sequence change replaces proline with serine at codon 1223 of the COL5A1 protein (p.Pro1223Ser). The proline residue is highly conserved and there is a moderate physicochemical difference between proline and serine. This variant has not been reported in the literature in individuals with COL5A1-related conditions. In summary, the available evidence is currently insufficient to determine the role of this variant in disease. Therefore, it has been classified as a Variant of Uncertain Significance. Algorithms developed to predict the effect of missense changes on protein structure and function are either unavailable or do not agree on the potential impact of this missense change (SIFT: "Deleterious"; PolyPhen-2: "Not Available"; Align-GVGD: "Class C0").